The following is an entry in ClinVar:

NM_006019.4(TCIRG1):c.1985G>C (p.Arg662Pro)

Gene: TCIRG1 (T cell immune regulator 1, ATPase H+ transporting V0 subunit a3; plus strand). Cytogenetic location: 11q13.2.
Variant type: single nucleotide variant.
Coding change: c.1985G>C on transcript NM_006019.4 (MANE Select); coding-DNA position 1985, G replaced by C.
Protein change: p.Arg662Pro; replaces arginine 662 with proline.
Molecular consequence: missense variant.
Genome position (GRCh38, 1-based): chr11:68,049,760, G>C. VCF-style: chr11-68049760-G-C. GRCh37 (hg19) VCF-style: chr11-67817227-G-C.
Other names: c.1337G>C, p.Arg446Pro (NM_006053.4); c.1091G>C, p.Arg364Pro (NM_001351059.2); short protein forms R364P, R446P, R662P.
Identifiers: ClinVar variation 2016912 (VCV002016912.4), dbSNP rs763065648, ClinGen allele CA381588960.
Genomic context (GRCh38, chr11:68,049,760, plus strand): 5'-CCATGGTGCCCATCCTGCTGCTTGGCACACCCCTGCACCTGCTGCACCGCCACCGCCGCC[G>C]CCTGCGGAGGAGGCCCGCTGACCGACAGGTGGGACCGGGGCCTAAGGTGTGGGGGGCTGC-3'
Protein context (NP_006010.2, residues 652-672): PLHLLHRHRR[Arg662Pro]LRRRPADRQE

ClinVar aggregate classification (germline): Uncertain significance (1 of 4 stars; one submission).

Submission:

Labcorp Genetics (formerly Invitae), Labcorp
Classification: Uncertain significance. Last evaluated: 2022-07-14. Review status: criteria provided, single submitter. Criteria: Invitae Variant Classification Sherloc (09022015). Collection method: clinical testing. Allele origin: germline.
Comment: In summary, the available evidence is currently insufficient to determine the role of this variant in disease. Therefore, it has been classified as a Variant of Uncertain Significance. Algorithms developed to predict the effect of missense changes on protein structure and function (SIFT, PolyPhen-2, Align-GVGD) all suggest that this variant is likely to be tolerated. This variant has not been reported in the literature in individuals affected with TCIRG1-related conditions. This variant is not present in population databases (gnomAD no frequency). This sequence change replaces arginine, which is basic and polar, with proline, which is neutral and non-polar, at codon 662 of the TCIRG1 protein (p.Arg662Pro).